The following is an entry in ClinVar:

NM_022089.4(ATP13A2):c.1353G>A (p.Arg451=)

Gene: ATP13A2 (ATPase cation transporting 13A2; minus strand). Cytogenetic location: 1p36.13.
Variant type: single nucleotide variant.
Coding change: c.1353G>A on transcript NM_022089.4 (MANE Select); coding-DNA position 1353, G replaced by A.
Protein change: p.Arg451=; no amino-acid change (arginine 451 retained).
Molecular consequence: synonymous variant.
Genome position (GRCh38, 1-based): chr1:16,996,254, C>T on the plus strand (G>A on the coding strand, the complement: ATP13A2 is on the minus strand). VCF-style: chr1-16996254-C-T. GRCh37 (hg19) VCF-style: chr1-17322749-C-T.
Other names: c.1338G>A, p.Arg446= (NM_001141973.3, NM_001141974.3).
Identifiers: ClinVar variation 2004202 (VCV002004202.4), dbSNP rs2523623490, ClinGen allele CA416094612.

ClinVar aggregate classification (germline): Uncertain significance (1 of 4 stars; one submission).

Conditions:
Kufor-Rakeb syndrome (KRS). Also called: PARKINSON DISEASE 9, AUTOSOMAL RECESSIVE, JUVENILE-ONSET. Identifiers: Orphanet 306674, Orphanet 314632, MedGen C1847640, MONDO:0011706, OMIM 606693.
Autosomal recessive spastic paraplegia type 78. Identifiers: Orphanet 513436, MedGen C5567893, MONDO:0014975, OMIM 617225.

Submission:

Labcorp Genetics (formerly Invitae), Labcorp
Classification: Uncertain significance for Kufor-Rakeb syndrome; Autosomal recessive spastic paraplegia type 78. Last evaluated: 2022-06-10. Review status: criteria provided, single submitter. Criteria: Invitae Variant Classification Sherloc (09022015). Collection method: clinical testing. Allele origin: germline.
Comment: In summary, the available evidence is currently insufficient to determine the role of this variant in disease. Therefore, it has been classified as a Variant of Uncertain Significance. Variants that disrupt the consensus splice site are a relatively common cause of aberrant splicing (PMID: 17576681, 9536098). Algorithms developed to predict the effect of sequence changes on RNA splicing suggest that this variant is not likely to affect RNA splicing. This variant has not been reported in the literature in individuals affected with ATP13A2-related conditions. This variant is not present in population databases (gnomAD no frequency). This sequence change affects codon 451 of the ATP13A2 mRNA. It is a 'silent' change, meaning that it does not change the encoded amino acid sequence of the ATP13A2 protein. This variant also falls at the last nucleotide of exon 14, which is part of the consensus splice site for this exon.

Literature cited by the submitters: PubMed 17576681; PubMed 9536098.